The following is an entry in ClinVar:

NM_001128205.2(SULF1):c.1727G>A (p.Arg576His)

Gene: SULF1 (sulfatase 1; plus strand). Cytogenetic location: 8q13.3.
Variant type: single nucleotide variant.
Coding change: c.1727G>A on transcript NM_001128205.2 (MANE Select); coding-DNA position 1727, G replaced by A.
Protein change: p.Arg576His; replaces arginine 576 with histidine.
Molecular consequence: missense variant. On other transcripts: non-coding transcript variant (3).
Genome position (GRCh38, 1-based): chr8:69,624,074, G>A. VCF-style: chr8-69624074-G-A. GRCh37 (hg19) VCF-style: chr8-70536309-G-A.
Other names: c.1727G>A, p.Arg576His (NM_001128204.2, NM_001128206.2, NM_015170.3); short protein forms R576H.
Identifiers: ClinVar variation 1345176 (VCV001345176.8), dbSNP rs758690728, ClinGen allele CA4775955.

ClinVar aggregate classification (germline): Uncertain significance (1 of 4 stars; one submission).

Allele frequency attached by ClinVar (database versions not stated): gnomAD 0.00009 and 0.00011; TOPMed 0.00011; gnomAD exomes 0.00014 and 0.00015; ExAC 0.00015.
gnomAD v4.1: 222 of 1,614,034 alleles (0.014%); highest among the groups gnomAD compares: South Asian, 0.027%; 1 homozygote.

Submission:

Labcorp Genetics (formerly Invitae), Labcorp
Classification: Uncertain significance. Last evaluated: 2025-02-17. Review status: criteria provided, single submitter. Criteria: Invitae Variant Classification Sherloc (09022015). Collection method: clinical testing. Allele origin: germline.
Comment: This sequence change replaces arginine, which is basic and polar, with histidine, which is basic and polar, at codon 576 of the SULF1 protein (p.Arg576His). This variant is present in population databases (rs758690728, gnomAD 0.04%). This variant has not been reported in the literature in individuals affected with SULF1-related conditions. ClinVar contains an entry for this variant (Variation ID: 1345176). An algorithm developed to predict the effect of missense changes on protein structure and function (PolyPhen-2) suggests that this variant is likely to be tolerated. In summary, the available evidence is currently insufficient to determine the role of this variant in disease. Therefore, it has been classified as a Variant of Uncertain Significance.